The following is an entry in ClinVar:

ClinVar aggregate classification (germline): Uncertain significance (1 of 4 stars; one submission).

gnomAD v4.1: 5 of 1,551,274 alleles (0.00032%); highest among the groups gnomAD compares: Non-Finnish European, 0.00044%; no homozygotes.

Submission:

Labcorp Genetics (formerly Invitae), Labcorp
Classification: Uncertain significance. Last evaluated: 2023-12-13. Review status: criteria provided, single submitter. Criteria: Invitae Variant Classification Sherloc (09022015). Collection method: clinical testing. Allele origin: germline.
Comment: This sequence change replaces proline, which is neutral and non-polar, with arginine, which is basic and polar, at codon 9 of the CERT1 protein (p.Pro9Arg). This variant is present in population databases (no rsID available, gnomAD 0.002%). This variant has not been reported in the literature in individuals affected with CERT1-related conditions. Experimental studies and prediction algorithms are not available or were not evaluated, and the functional significance of this variant is currently unknown. In summary, the available evidence is currently insufficient to determine the role of this variant in disease. Therefore, it has been classified as a Variant of Uncertain Significance.

NC_000005.10:g.75511819G>C

Genes: CERT1 (ceramide transporter 1; minus strand), POLK (DNA polymerase kappa; plus strand), LOC129994075 (ATAC-STARR-seq lymphoblastoid active region 22681; plus strand). Cytogenetic location: 5q13.3.
Variant type: single nucleotide variant.
Molecular consequence: missense variant (on NM_001130105.1).
Genome position: GRCh38 VCF-style: chr5-75511819-G-C. GRCh37 (hg19) VCF-style: chr5-74807644-G-C.
Other names: c.26C>G, p.Pro9Arg (NM_001130105.1); c.-109G>C (NM_016218.3); short protein forms P9R.
Identifiers: ClinVar variation 2702621 (VCV002702621.3), dbSNP rs768787922, ClinGen allele CA360140917.
Genomic context (GRCh38, chr5:75,511,819, plus strand): 5'-CTCCGGCTCTCCCGGGTGACGACGGGTAGAAAAGCAGGAGGAGCGGAGAAAGGAGAGGGC[G>C]GGGTAGGGATGCAGCTGTGCTGCATTCTGGGAAGGGCGTTGGTCCGTCGCTCGCGCAGCC-3'